The following is an entry in ClinVar:

ClinVar aggregate classification (germline): Likely benign (0 of 4 stars; one submission).

Conditions:
TACR1-related disorder. Also called: TACR1-related condition.

Allele frequency attached by ClinVar (database versions not stated): gnomAD exomes 0.00001; ExAC 0.00002; gnomAD 0.00006; TOPMed 0.00010; ESP Exome Variant Server 0.00015.
gnomAD v4.1: 40 of 1,614,028 alleles (0.0025%); highest among the groups gnomAD compares: East Asian, 0.0089%; no homozygotes.

Submission:

PreventionGenetics, part of Exact Sciences
Classification: Likely benign for TACR1-related condition. Last evaluated: 2019-04-08. Review status: no assertion criteria provided. Collection method: clinical testing. Allele origin: germline.
Comment: This variant is classified as likely benign based on ACMG/AMP sequence variant interpretation guidelines (Richards et al. 2015 PMID: 25741868, with internal and published modifications).

NM_001058.4(TACR1):c.771C>T (p.Phe257=)

Gene: TACR1 (tachykinin receptor 1; minus strand). Cytogenetic location: 2p12.
Variant type: single nucleotide variant.
Coding change: c.771C>T on transcript NM_001058.4 (MANE Select); coding-DNA position 771, C replaced by T.
Protein change: p.Phe257=; no amino-acid change (phenylalanine 257 retained).
Molecular consequence: synonymous variant.
Genome position (GRCh38, 1-based): chr2:75,051,412, G>A on the plus strand (C>T on the coding strand, the complement: TACR1 is on the minus strand). VCF-style: chr2-75051412-G-A. GRCh37 (hg19) VCF-style: chr2-75278539-G-A.
Other names: c.771C>T, p.Phe257= (NM_015727.3).
Identifiers: ClinVar variation 3058592 (VCV003058592.2), dbSNP rs17838408, ClinGen allele CA1732095.